The following is an entry in ClinVar:

NM_017534.6(MYH2):c.1516A>G (p.Lys506Glu)

Genes: MYH2 (myosin heavy chain 2; minus strand), MYHAS (myosin heavy chain gene cluster antisense RNA; plus strand). Cytogenetic location: 17p13.1.
Variant type: single nucleotide variant.
Coding change: c.1516A>G on transcript NM_017534.6 (MANE Select); coding-DNA position 1516, A replaced by G.
Protein change: p.Lys506Glu; replaces lysine 506 with glutamic acid.
Molecular consequence: missense variant.
Genome position (GRCh38, 1-based): chr17:10,537,736, T>C on the plus strand (A>G on the coding strand, the complement: MYH2 is on the minus strand). VCF-style: chr17-10537736-T-C. GRCh37 (hg19) VCF-style: chr17-10441053-T-C.
Other names: c.1516A>G (NM_017534.5); c.1516A>G, p.Lys506Glu (NM_001100112.2); short protein forms K506E.
Identifiers: ClinVar variation 2731097 (VCV002731097.4), dbSNP rs762781060, ClinGen allele CA8391356.

ClinVar aggregate classification (germline): Uncertain significance. Review status: criteria provided, multiple submitters, no conflicts (2 of 4 stars). 2 submissions from 2 submitters: Uncertain significance (2). Last evaluated 2025-03-26.

Conditions:
Myopathy, proximal, and ophthalmoplegia (CMYO6). Also called: INCLUSION BODY MYOPATHY 3, AUTOSOMAL DOMINANT; MYOPATHY WITH CONGENITAL JOINT CONTRACTURES, OPHTHALMOPLEGIA, AND RIMMED VACUOLES; CONGENITAL MYOPATHY 6 WITH OPHTHALMOPLEGIA. Identifiers: Orphanet 363677, Orphanet 79091, MedGen C1854106, MONDO:0011577, OMIM 605637.
Inborn genetic diseases. Identifiers: MedGen C0950123, MeSH D030342.

Allele frequency attached by ClinVar (database versions not stated): gnomAD exomes below 0.00001; ExAC 0.00001.

Submissions (2):

Ambry Genetics
Classification: Uncertain significance for Inborn genetic diseases. Last evaluated: 2025-03-26. Review status: criteria provided, single submitter. Criteria: Ambry Variant Classification Scheme 2023. Collection method: clinical testing. Allele origin: germline.

Labcorp Genetics (formerly Invitae), Labcorp
Classification: Uncertain significance for Myopathy, proximal, and ophthalmoplegia. Last evaluated: 2024-12-09. Review status: criteria provided, single submitter. Criteria: Invitae Variant Classification Sherloc (09022015). Collection method: clinical testing. Allele origin: germline.
Comment: This sequence change replaces lysine, which is basic and polar, with glutamic acid, which is acidic and polar, at codon 506 of the MYH2 protein (p.Lys506Glu). This variant is present in population databases (rs762781060, gnomAD 0.0009%). This variant has not been reported in the literature in individuals affected with MYH2-related conditions. ClinVar contains an entry for this variant (Variation ID: 2731097). Invitae Evidence Modeling of protein sequence and biophysical properties (such as structural, functional, and spatial information, amino acid conservation, physicochemical variation, residue mobility, and thermodynamic stability) indicates that this missense variant is expected to disrupt MYH2 protein function with a positive predictive value of 80%. In summary, the available evidence is currently insufficient to determine the role of this variant in disease. Therefore, it has been classified as a Variant of Uncertain Significance.